The following is an entry in ClinVar:

NM_001009999.3(KDM1A):c.1361A>G (p.His454Arg)

Gene: KDM1A (lysine demethylase 1A; plus strand). Cytogenetic location: 1p36.12.
Variant type: single nucleotide variant.
Coding change: c.1361A>G on transcript NM_001009999.3 (MANE Select); coding-DNA position 1361, A replaced by G.
Protein change: p.His454Arg; replaces histidine 454 with arginine.
Molecular consequence: missense variant.
Genome position (GRCh38, 1-based): chr1:23,069,099, A>G. VCF-style: chr1-23069099-A-G. GRCh37 (hg19) VCF-style: chr1-23395592-A-G.
Other names: c.1289A>G, p.His430Arg (NM_001363654.2, NM_001410763.1, NM_015013.4); c.1349A>G, p.His450Arg (NM_001410762.1); short protein forms H450R, H454R, H430R.
Identifiers: ClinVar variation 3863283 (VCV003863283.1).

ClinVar aggregate classification (germline): Uncertain significance (1 of 4 stars; one submission).

Conditions:
Inborn genetic diseases. Identifiers: MedGen C0950123, MeSH D030342.

gnomAD v4.1: 1 of 1,611,540 alleles (0.000062%); highest among the groups gnomAD compares: Admixed American, 0.0017%; no homozygotes.

Submission:

Ambry Genetics
Classification: Uncertain significance for Inborn genetic diseases. Last evaluated: 2025-01-20. Review status: criteria provided, single submitter. Criteria: Ambry Variant Classification Scheme 2023. Collection method: clinical testing. Allele origin: germline.
Comment: The p.H454R variant (also known as c.1361A>G), located in coding exon 12 of the KDM1A gene, results from an A to G substitution at nucleotide position 1361. The histidine at codon 454 is replaced by arginine, an amino acid with highly similar properties. This amino acid position is conserved. In addition, the in silico prediction for this alteration is inconclusive. Based on the available evidence, the clinical significance of this variant remains unclear.